The following is an entry in ClinVar:

NM_000215.4(JAK3):c.741A>C (p.Pro247=)

Gene: JAK3 (Janus kinase 3; minus strand). Cytogenetic location: 19p13.11.
Variant type: single nucleotide variant.
Coding change: c.741A>C on transcript NM_000215.4 (MANE Select); coding-DNA position 741, A replaced by C.
Protein change: p.Pro247=; no amino-acid change (proline 247 retained).
Molecular consequence: synonymous variant.
Genome position (GRCh38, 1-based): chr19:17,842,436, T>G on the plus strand (A>C on the coding strand, the complement: JAK3 is on the minus strand). VCF-style: chr19-17842436-T-G. GRCh37 (hg19) VCF-style: chr19-17953245-T-G.
Identifiers: ClinVar variation 2649557 (VCV002649557.26), dbSNP rs2147697438, ClinGen allele CA506004694.
Genomic context (GRCh38, chr19:17,842,436, plus strand): 5'-CCCGTCGTGGCCACCAAGGGCCCCAGGGAGGCCCACGTGGAAGGTCTCGGCGGCCCCGGC[T>G]GGATCCAGCCGCTCCAGGTCCATGATGTACTTGGCCATGAGCGAGTGCCGGTCTGCCTGG-3'
Protein context (NP_000206.2, residues 237-257): KYIMDLERLD[Pro247=]AGAAETFHVG

ClinVar aggregate classification (germline): Likely benign. Review status: criteria provided, multiple submitters, no conflicts (2 of 4 stars). 3 submissions from 3 submitters: Likely benign (3). Last evaluated 2026-01-14.

Conditions:
T-B+ severe combined immunodeficiency due to JAK3 deficiency. Also called: SCID, T CELL-NEGATIVE, B CELL-POSITIVE, NK CELL-NEGATIVE; SCID, autosomal recessive, T-negative/B-positive type. Identifiers: Orphanet 35078, MedGen C1833275, MONDO:0010938, OMIM 600802.

Submissions (3):

Labcorp Genetics (formerly Invitae), Labcorp
Classification: Likely benign for T-B+ severe combined immunodeficiency due to JAK3 deficiency. Last evaluated: 2026-01-14. Review status: criteria provided, single submitter. Criteria: Invitae Variant Classification Sherloc (09022015). Collection method: clinical testing. Allele origin: germline.

CeGaT Center for Human Genetics Tuebingen
Classification: Likely benign. Last evaluated: 2025-10-01. Review status: criteria provided, single submitter. Criteria: CeGaT Center For Human Genetics Tuebingen Variant Classification Criteria Version 2. Collection method: clinical testing. Allele origin: germline. Affected: yes. Observed: 3 variant alleles.
Comment: JAK3: BP4, BP7

Blueprint Genetics
Classification: Likely benign. Last evaluated: 2024-11-27. Review status: criteria provided, single submitter. Criteria: ACMG Guidelines, 2015. Collection method: clinical testing. Allele origin: germline.